The following is an entry in ClinVar:

NM_001098426.2(SMARCD2):c.1462A>G (p.Asn488Asp)

Gene: SMARCD2 (SWI/SNF related BAF chromatin remodeling complex subunit D2; minus strand). Cytogenetic location: 17q23.3.
Variant type: single nucleotide variant.
Coding change: c.1462A>G on transcript NM_001098426.2 (MANE Select); coding-DNA position 1462, A replaced by G.
Protein change: p.Asn488Asp; replaces asparagine 488 with aspartic acid.
Molecular consequence: missense variant.
Genome position (GRCh38, 1-based): chr17:63,833,149, T>C on the plus strand (A>G on the coding strand, the complement: SMARCD2 is on the minus strand). VCF-style: chr17-63833149-T-C. GRCh37 (hg19) VCF-style: chr17-61910509-T-C.
Other names: c.1237A>G, p.Asn413Asp (NM_001330439.1); c.1318A>G, p.Asn440Asp (NM_001330440.2); short protein forms N488D, N413D, N440D.
Identifiers: ClinVar variation 1469727 (VCV001469727.6), dbSNP rs1433576217, ClinGen allele CA400597886.
Genomic context (GRCh38, chr17:63,833,149, plus strand): 5'-CTACTGCTTCCTGGGCCCAGGGCTGGTGGTAGAAAGCAGCTCGTCTCTCCTCCTCAGGAT[T>C]TCCAATCACATCAGTGATGATCTGCAAAGAGCCAGGAGGAAAGCCATAGCATAATCCCCA-3'
Protein context (NP_001091896.1, residues 478-498): DLKIITDVIG[Asn488Asp]PEEERRAAFY

ClinVar aggregate classification (germline): Uncertain significance (1 of 4 stars; one submission).

Allele frequency attached by ClinVar (database versions not stated): gnomAD exomes below 0.00001 and 0.00001; TOPMed below 0.00001; gnomAD 0.00001.
gnomAD v4.1: 9 of 1,608,416 alleles (0.00056%); highest among the groups gnomAD compares: Admixed American, 0.0017%; no homozygotes.

Submission:

Labcorp Genetics (formerly Invitae), Labcorp
Classification: Uncertain significance. Last evaluated: 2021-07-26. Review status: criteria provided, single submitter. Criteria: Invitae Variant Classification Sherloc (09022015). Collection method: clinical testing. Allele origin: germline.
Comment: This sequence change replaces asparagine with aspartic acid at codon 488 of the SMARCD2 protein (p.Asn488Asp). The asparagine residue is highly conserved and there is a small physicochemical difference between asparagine and aspartic acid. In summary, the available evidence is currently insufficient to determine the role of this variant in disease. Therefore, it has been classified as a Variant of Uncertain Significance. Algorithms developed to predict the effect of missense changes on protein structure and function (SIFT, PolyPhen-2, Align-GVGD) all suggest that this variant is likely to be tolerated. This variant has not been reported in the literature in individuals affected with SMARCD2-related conditions. This variant is not present in population databases (ExAC no frequency).